The following is an entry in ClinVar:

ClinVar aggregate classification (germline): Uncertain significance. Review status: criteria provided, multiple submitters, no conflicts (2 of 4 stars). 3 submissions from 3 submitters: Uncertain significance (3). Last evaluated 2024-07-26.

Conditions:
Inborn genetic diseases. Identifiers: MedGen C0950123, MeSH D030342.
Autosomal recessive osteopetrosis 5. Identifiers: Orphanet 85179, MedGen C1968603, MONDO:0009817, OMIM 259720.

Allele frequency attached by ClinVar (database versions not stated): ExAC below 0.00001; TOPMed 0.00010; gnomAD 0.00011; 1000 Genomes Project 30x 0.00031.
gnomAD v4.1: 107 of 1,559,988 alleles (0.0069%); highest among the groups gnomAD compares: Admixed American, 0.046%; no homozygotes.

Submissions (3):

Revvity Omics, Revvity
Classification: Uncertain significance for Autosomal recessive osteopetrosis 5. Last evaluated: 2024-07-26. Review status: criteria provided, single submitter. Criteria: ACMG Guidelines, 2015. Collection method: clinical testing. Allele origin: germline.

Labcorp Genetics (formerly Invitae), Labcorp
Classification: Uncertain significance. Last evaluated: 2022-08-16. Review status: criteria provided, single submitter. Criteria: Invitae Variant Classification Sherloc (09022015). Collection method: clinical testing. Allele origin: germline.
Comment: This sequence change replaces glutamine, which is neutral and polar, with glutamic acid, which is acidic and polar, at codon 9 of the OSTM1 protein (p.Gln9Glu). This variant is present in population databases (rs752090052, gnomAD 0.02%). This variant has not been reported in the literature in individuals affected with OSTM1-related conditions. ClinVar contains an entry for this variant (Variation ID: 1002233). Algorithms developed to predict the effect of missense changes on protein structure and function (SIFT, PolyPhen-2, Align-GVGD) all suggest that this variant is likely to be tolerated. In summary, the available evidence is currently insufficient to determine the role of this variant in disease. Therefore, it has been classified as a Variant of Uncertain Significance.

Ambry Genetics
Classification: Uncertain significance for Inborn genetic diseases. Last evaluated: 2021-08-12. Review status: criteria provided, single submitter. Criteria: Ambry Variant Classification Scheme 2023. Collection method: clinical testing. Allele origin: germline.

NM_014028.4(OSTM1):c.25C>G (p.Gln9Glu)

Genes: OSTM1 (osteoclastogenesis associated transmembrane protein 1; minus strand), LOC129996933 (ATAC-STARR-seq lymphoblastoid silent region 17446; plus strand). Cytogenetic location: 6q21.
Variant type: single nucleotide variant.
Coding change: c.25C>G on transcript NM_014028.4 (MANE Select); coding-DNA position 25, C replaced by G.
Protein change: p.Gln9Glu; replaces glutamine 9 with glutamic acid.
Molecular consequence: missense variant.
Genome position (GRCh38, 1-based): chr6:108,074,627, G>C on the plus strand (C>G on the coding strand, the complement: OSTM1 is on the minus strand). VCF-style: chr6-108074627-G-C. GRCh37 (hg19) VCF-style: chr6-108395831-G-C.
Other names: c.25C>G (NM_014028.3); short protein forms Q9E.
Identifiers: ClinVar variation 1002233 (VCV001002233.6), dbSNP rs752090052, ClinGen allele CA3948148.